The following is an entry in ClinVar:

ClinVar aggregate classification (germline): Likely benign. Review status: criteria provided, multiple submitters, no conflicts (2 of 4 stars). 2 submissions from 2 submitters: Likely benign (2). Last evaluated 2026-01-09.

Conditions:
Fanconi anemia (FA). Also called: Fanconi's anemia. Identifiers: Orphanet 84, MedGen C0015625, MeSH D005199, MONDO:0019391.

Allele frequency attached by ClinVar (database versions not stated): gnomAD exomes below 0.00001; TOPMed below 0.00001; ExAC 0.00001; gnomAD 0.00001.
gnomAD v4.1: 4 of 1,208,977 alleles (0.00033%); highest among the groups gnomAD compares: South Asian, 0.0018%; no homozygotes.

Submissions (2):

Labcorp Genetics (formerly Invitae), Labcorp
Classification: Likely benign for Fanconi anemia. Last evaluated: 2026-01-09. Review status: criteria provided, single submitter. Criteria: Invitae Variant Classification Sherloc (09022015). Collection method: clinical testing. Allele origin: germline.

CeGaT Center for Human Genetics Tuebingen
Classification: Likely benign. Last evaluated: 2023-01-01. Review status: criteria provided, single submitter. Criteria: CeGaT Center For Human Genetics Tuebingen Variant Classification Criteria Version 2. Collection method: clinical testing. Allele origin: germline. Affected: yes. Observed: 2 variant alleles.
Comment: FANCB: BP4, BP7

NM_001018113.3(FANCB):c.1701A>G (p.Glu567=)

Gene: FANCB (FA complementation group B; minus strand). Cytogenetic location: Xp22.2.
Variant type: single nucleotide variant.
Coding change: c.1701A>G on transcript NM_001018113.3 (MANE Select); coding-DNA position 1701, A replaced by G.
Protein change: p.Glu567=; no amino-acid change (glutamic acid 567 retained).
Molecular consequence: synonymous variant.
Genome position (GRCh38, 1-based): chrX:14,845,082, T>C on the plus strand (A>G on the coding strand, the complement: FANCB is on the minus strand). VCF-style: chrX-14845082-T-C. GRCh37 (hg19) VCF-style: chrX-14863204-T-C.
Other names: c.1701A>G, p.Glu567= (NM_001324162.2, NM_001410764.1, NM_152633.4).
Identifiers: ClinVar variation 2660041 (VCV002660041.27), dbSNP rs766587734, ClinGen allele CA10353014.